The following is an entry in ClinVar:

NM_000038.6(APC):c.7020C>G (p.Asn2340Lys)

Gene: APC (APC regulator of Wnt signaling pathway; plus strand). Cytogenetic location: 5q22.2.
Variant type: single nucleotide variant.
Coding change: c.7020C>G on transcript NM_000038.6 (MANE Select); coding-DNA position 7020, C replaced by G.
Protein change: p.Asn2340Lys; replaces asparagine 2340 with lysine.
Molecular consequence: missense variant.
Genome position (GRCh38, 1-based): chr5:112,842,614, C>G. VCF-style: chr5-112842614-C-G. GRCh37 (hg19) VCF-style: chr5-112178311-C-G.
Other names: c.7020C>G, p.Asn2340Lys (NM_001127510.3, NM_001354895.2); c.6966C>G, p.Asn2322Lys (NM_001127511.3); c.7074C>G, p.Asn2358Lys (NM_001354896.2); c.7050C>G, p.Asn2350Lys (NM_001354897.2); c.6945C>G, p.Asn2315Lys (NM_001354898.2); c.6936C>G, p.Asn2312Lys (NM_001354899.2); c.6897C>G, p.Asn2299Lys (NM_001354900.2); c.6843C>G, p.Asn2281Lys (NM_001354901.2); and 5 more; short protein forms N2057K, N2180K, N2214K, N2239K, N2249K, N2281K, N2299K, N2312K.
Identifiers: ClinVar variation 1017383 (VCV001017383.10), dbSNP rs773108684, ClinGen allele CA16036634.

ClinVar aggregate classification (germline): Uncertain significance (1 of 4 stars; one submission).

Conditions:
Familial adenomatous polyposis 1 (FAP1). Also called: POLYPOSIS, ADENOMATOUS INTESTINAL; FAMILIAL ADENOMATOUS POLYPOSIS 1, ATTENUATED. Identifiers: MedGen C2713442, MONDO:0021056, OMIM 175100. Disease mechanism: loss of function.

Submission:

Labcorp Genetics (formerly Invitae), Labcorp
Classification: Uncertain significance for Familial adenomatous polyposis 1. Last evaluated: 2022-11-02. Review status: criteria provided, single submitter. Criteria: Invitae Variant Classification Sherloc (09022015). Collection method: clinical testing. Allele origin: germline.
Comment: In summary, the available evidence is currently insufficient to determine the role of this variant in disease. Therefore, it has been classified as a Variant of Uncertain Significance. Advanced modeling of protein sequence and biophysical properties (such as structural, functional, and spatial information, amino acid conservation, physicochemical variation, residue mobility, and thermodynamic stability) performed at Invitae indicates that this missense variant is not expected to disrupt APC protein function. ClinVar contains an entry for this variant (Variation ID: 1017383). This variant has not been reported in the literature in individuals affected with APC-related conditions. This variant is not present in population databases (gnomAD no frequency). This sequence change replaces asparagine, which is neutral and polar, with lysine, which is basic and polar, at codon 2340 of the APC protein (p.Asn2340Lys).